The following is an entry in ClinVar:

NM_014319.5(LEMD3):c.2488C>T (p.Arg830Cys)

Gene: LEMD3 (LEM domain containing 3; plus strand). Cytogenetic location: 12q14.3.
Variant type: single nucleotide variant.
Coding change: c.2488C>T on transcript NM_014319.5 (MANE Select); coding-DNA position 2488, C replaced by T.
Protein change: p.Arg830Cys; replaces arginine 830 with cysteine.
Molecular consequence: missense variant.
Genome position (GRCh38, 1-based): chr12:65,245,769, C>T. VCF-style: chr12-65245769-C-T. GRCh37 (hg19) VCF-style: chr12-65639549-C-T.
Other names: c.2485C>T, p.Arg829Cys (NM_001167614.2); short protein forms R830C, R829C.
Identifiers: ClinVar variation 2722860 (VCV002722860.3), dbSNP rs766583566, ClinGen allele CA6671232.

ClinVar aggregate classification (germline): Uncertain significance (1 of 4 stars; one submission).

Allele frequency attached by ClinVar (database versions not stated): gnomAD exomes 0.00001; ExAC 0.00002; gnomAD 0.00002; TOPMed 0.00002.
gnomAD v4.1: 21 of 1,611,488 alleles (0.0013%); highest among the groups gnomAD compares: South Asian, 0.014%; no homozygotes.

Submission:

Labcorp Genetics (formerly Invitae), Labcorp
Classification: Uncertain significance. Last evaluated: 2024-12-03. Review status: criteria provided, single submitter. Criteria: Invitae Variant Classification Sherloc (09022015). Collection method: clinical testing. Allele origin: germline.
Comment: This sequence change replaces arginine, which is basic and polar, with cysteine, which is neutral and slightly polar, at codon 830 of the LEMD3 protein (p.Arg830Cys). This variant is present in population databases (rs766583566, gnomAD 0.02%). This missense change has been observed in individual(s) with melorheostosis and/or osteopoikilosis who also carried a truncating variant in cis (PMID: 16470551). ClinVar contains an entry for this variant (Variation ID: 2722860). Invitae Evidence Modeling of protein sequence and biophysical properties (such as structural, functional, and spatial information, amino acid conservation, physicochemical variation, residue mobility, and thermodynamic stability) indicates that this missense variant is expected to disrupt LEMD3 protein function with a positive predictive value of 80%. In summary, the available evidence is currently insufficient to determine the role of this variant in disease. Therefore, it has been classified as a Variant of Uncertain Significance.

Literature cited by the submitters: PubMed 16470551.